The following is an entry in ClinVar:

NM_001286.5(CLCN6):c.2136G>C (p.Arg712Ser)

Gene: CLCN6 (chloride voltage-gated channel 6; plus strand). Cytogenetic location: 1p36.22.
Variant type: single nucleotide variant.
Coding change: c.2136G>C on transcript NM_001286.5 (MANE Select); coding-DNA position 2136, G replaced by C.
Protein change: p.Arg712Ser; replaces arginine 712 with serine.
Molecular consequence: missense variant. On other transcripts: non-coding transcript variant (1).
Genome position (GRCh38, 1-based): chr1:11,837,154, G>C. VCF-style: chr1-11837154-G-C. GRCh37 (hg19) VCF-style: chr1-11897211-G-C.
Other names: c.2070G>C, p.Arg690Ser (NM_001256959.2); short protein forms R712S, R690S.
Identifiers: ClinVar variation 3700241 (VCV003700241.2).

ClinVar aggregate classification (germline): Uncertain significance (1 of 4 stars; one submission).

Submission:

Labcorp Genetics (formerly Invitae), Labcorp
Classification: Uncertain significance. Last evaluated: 2024-08-29. Review status: criteria provided, single submitter. Criteria: Invitae Variant Classification Sherloc (09022015). Collection method: clinical testing. Allele origin: germline.
Comment: This sequence change replaces arginine, which is basic and polar, with serine, which is neutral and polar, at codon 712 of the CLCN6 protein (p.Arg712Ser). This variant is not present in population databases (gnomAD no frequency). This variant has not been reported in the literature in individuals affected with CLCN6-related conditions. An algorithm developed to predict the effect of missense changes on protein structure and function (PolyPhen-2) suggests that this variant is likely to be tolerated. In summary, the available evidence is currently insufficient to determine the role of this variant in disease. Therefore, it has been classified as a Variant of Uncertain Significance.